The following is an entry in ClinVar:

ClinVar aggregate classification (germline): Uncertain significance (1 of 4 stars; one submission).

Conditions:
Welander distal myopathy (WDM). Also called: Gower's muscular dystrophy; Welander distal myopathy, Swedish type; Distal myopathy, Swedish type; MUSCULAR DYSTROPHY, DISTAL, LATE-ONSET, AUTOSOMAL DOMINANT. Identifiers: Orphanet 603, MedGen C0221054, MONDO:0011466, OMIM 604454.

Allele frequency attached by ClinVar (database versions not stated): gnomAD 0.00012; TOPMed 0.00014; ExAC 0.00003.
gnomAD v4.1: 27 of 1,606,068 alleles (0.0017%); highest among the groups gnomAD compares: African/African-American, 0.036%; no homozygotes.

Submission:

Labcorp Genetics (formerly Invitae), Labcorp
Classification: Uncertain significance for Welander distal myopathy. Last evaluated: 2025-03-01. Review status: criteria provided, single submitter. Criteria: Invitae Variant Classification Sherloc (09022015). Collection method: clinical testing. Allele origin: germline.
Comment: This sequence change replaces glutamine, which is neutral and polar, with glutamic acid, which is acidic and polar, at codon 297 of the TIA1 protein (p.Gln297Glu). This variant is present in population databases (rs750903310, gnomAD 0.04%). This variant has not been reported in the literature in individuals affected with TIA1-related conditions. ClinVar contains an entry for this variant (Variation ID: 1963210). An algorithm developed to predict the effect of missense changes on protein structure and function (PolyPhen-2) suggests that this variant is likely to be tolerated. In summary, the available evidence is currently insufficient to determine the role of this variant in disease. Therefore, it has been classified as a Variant of Uncertain Significance.

NM_022173.4(TIA1):c.889C>G (p.Gln297Glu)

Gene: TIA1 (TIA1 cytotoxic granule associated RNA binding protein; minus strand). Cytogenetic location: 2p13.3.
Variant type: single nucleotide variant.
Coding change: c.889C>G on transcript NM_022173.4 (MANE Select); coding-DNA position 889, C replaced by G.
Protein change: p.Gln297Glu; replaces glutamine 297 with glutamic acid.
Molecular consequence: missense variant. On other transcripts: non-coding transcript variant (14), intron variant (3).
Genome position (GRCh38, 1-based): chr2:70,214,494, G>C on the plus strand (C>G on the coding strand, the complement: TIA1 is on the minus strand). VCF-style: chr2-70214494-G-C. GRCh37 (hg19) VCF-style: chr2-70441626-G-C.
Other names: c.862C>G, p.Gln288Glu (NM_001351509.2); c.778C>G, p.Gln260Glu (NM_001351511.1); c.751C>G, p.Gln251Glu (NM_001351512.1); c.745C>G, p.Gln249Glu (NM_001351513.1); c.661C>G, p.Gln221Glu (NM_001351514.2); c.586C>G, p.Gln196Glu (NM_001351515.2); c.469C>G, p.Gln157Glu (NM_001351524.2, NM_001351525.2); c.856C>G, p.Gln286Glu (NM_022037.4); and 3 more; short protein forms Q196E, Q297E, Q157E, Q249E, Q251E, Q221E, Q260E, Q286E.
Identifiers: ClinVar variation 1963210 (VCV001963210.5), dbSNP rs750903310, ClinGen allele CA1697443.